The following is an entry in ClinVar:

NM_003072.5(SMARCA4):c.1419+7T>C

Gene: SMARCA4 (SWI/SNF related BAF chromatin remodeling complex subunit ATPase 4; plus strand). Cytogenetic location: 19p13.2.
Variant type: single nucleotide variant.
Coding change: c.1419+7T>C on transcript NM_003072.5 (MANE Select); 7 bases into the intron after coding-DNA position 1419, T replaced by C.
Molecular consequence: intron variant.
Genome position (GRCh38, 1-based): chr19:10,991,330, T>C. VCF-style: chr19-10991330-T-C. GRCh37 (hg19) VCF-style: chr19-11102006-T-C.
Other names: c.1419+7T>C (NM_001128844.3, NM_001128849.3, NM_001128847.4 and 6 more transcripts).
Identifiers: ClinVar variation 212236 (VCV000212236.36), dbSNP rs112977340, ClinGen allele CA206111.

ClinVar aggregate classification (germline): Benign/Likely benign. Review status: criteria provided, multiple submitters, no conflicts (2 of 4 stars). 13 submissions from 13 submitters: Benign (7); Likely benign (4). 2 of the submissions do not count toward it. Last evaluated 2026-07-10.

Conditions:
Coffin-Siris syndrome. Identifiers: Orphanet 1465, MedGen C0265338, MONDO:0015452.
Intellectual disability, autosomal dominant 16 (CSS4). Also called: COFFIN-SIRIS SYNDROME 4. Identifiers: Orphanet 1465, MedGen C3553249, MONDO:0013821, OMIM 614609.
Rhabdoid tumor predisposition syndrome 2 (RTPS2). Identifiers: Orphanet 231108, Orphanet 69077, MedGen C2750074, MONDO:0013224, OMIM 613325.

Allele frequency attached by ClinVar (database versions not stated): gnomAD exomes 0.00243 and 0.00104; ESP Exome Variant Server 0.00463; gnomAD 0.00537 and 0.00546; 1000 Genomes Project 0.00539; TOPMed 0.00586; 1000 Genomes Project 30x 0.00468; ExAC 0.00512.
gnomAD v4.1: 2,403 of 1,584,144 alleles (0.15%); highest among the groups gnomAD compares: African/African-American, 1.7%; 39 homozygotes.

Submissions (13):

Myriad Genetics, Inc.
Classification: Benign for Rhabdoid tumor predisposition syndrome 2. Last evaluated: 2026-07-10. Review status: criteria provided, single submitter. Criteria: Myriad Autosomal Dominant, Autosomal Recessive and X-Linked Classification Criteria (2023). Collection method: clinical testing. Allele origin: unknown.
Comment: This variant is considered benign. This variant is intronic and is not expected to impact mRNA splicing. This variant has been observed at a population frequency that is significantly greater than expected given the associated disease prevalence and penetrance.

Labcorp Genetics (formerly Invitae), Labcorp
Classification: Benign for Rhabdoid tumor predisposition syndrome 2. Last evaluated: 2026-02-03. Review status: criteria provided, single submitter. Criteria: Invitae Variant Classification Sherloc (09022015). Collection method: clinical testing. Allele origin: germline.

Genomic Medicine Center of Excellence, King Faisal Specialist Hospital and Research Centre
Classification: Likely benign. Last evaluated: 2025-08-18. Review status: criteria provided, single submitter. Criteria: ACMG Guidelines, 2015. Collection method: clinical testing. Allele origin: germline.

ARUP Laboratories, Molecular Genetics and Genomics, ARUP Laboratories
Classification: Benign. Last evaluated: 2025-05-01. Review status: criteria provided, single submitter. Criteria: ARUP Molecular Germline Variant Investigation Process 2024. Collection method: clinical testing. Allele origin: germline.

Quest Diagnostics Nichols Institute San Juan Capistrano
Classification: Benign. Last evaluated: 2025-04-25. Review status: criteria provided, single submitter. Criteria: Quest Diagnostics criteria. Collection method: clinical testing. Allele origin: unknown.

Fulgent Genetics
Classification: Likely benign for Rhabdoid tumor predisposition syndrome 2; Intellectual disability, autosomal dominant 16. Last evaluated: 2022-05-13. Review status: criteria provided, single submitter. Criteria: ACMG Guidelines, 2015. Collection method: clinical testing. Allele origin: unknown.

Genome-Nilou Lab
Classification: Benign for Intellectual disability, autosomal dominant 16. Last evaluated: 2021-07-15. Review status: criteria provided, single submitter. Criteria: ACMG Guidelines, 2015. Collection method: clinical testing. Allele origin: germline. Affected: no.

Illumina Laboratory Services, Illumina
Classification: Benign for Coffin-Siris syndrome. Last evaluated: 2018-01-13. Review status: criteria provided, single submitter. Criteria: ICSL Variant Classification Criteria 13 December 2019. Collection method: clinical testing. Allele origin: germline.
Comment: This variant was observed in the ICSL laboratory as part of a predisposition screen in an ostensibly healthy population. It had not been previously curated by ICSL or reported in the Human Gene Mutation Database (HGMD: prior to June 1st, 2018), and was therefore a candidate for classification through an automated scoring system. Utilizing variant allele frequency, disease prevalence and penetrance estimates, and inheritance mode, an automated score was calculated to assess if this variant is too frequent to cause the disease. Based on the score and internal cut-off values, a variant classified as benign is not then subjected to further curation. The score for this variant resulted in a classification of benign for this disease.

GeneDx
Classification: Likely benign. Last evaluated: 2017-10-20. Review status: criteria provided, single submitter. Criteria: GeneDx Variant Classification (06012015). Collection method: clinical testing. Allele origin: germline. Affected: yes.
Comment: This variant is considered likely benign or benign based on one or more of the following criteria: it is a conservative change, it occurs at a poorly conserved position in the protein, it is predicted to be benign by multiple in silico algorithms, and/or has population frequency not consistent with disease.

Genetic Services Laboratory, University of Chicago
Classification: Benign. Last evaluated: 2015-09-17. Review status: criteria provided, single submitter. Criteria: ACMG Guidelines, 2015. Collection method: clinical testing. Allele origin: germline. Affected: no.

Breakthrough Genomics
Classification: Likely benign. Review status: criteria provided, single submitter. Criteria: ACMG Guidelines, 2015. Collection method: not provided. Allele origin: germline. Inheritance: Autosomal dominant inheritance. Affected: yes.

Clinical Genetics DNA and cytogenetics Diagnostics Lab, Erasmus MC, Erasmus Medical Center
Classification: Benign. Review status: no assertion criteria provided. Collection method: clinical testing. Allele origin: germline. Affected: yes. Study: VKGL Data-share Consensus. Not counted in ClinVar's aggregate classification.

Genome Diagnostics Laboratory, Amsterdam University Medical Center
Classification: Benign. Review status: no assertion criteria provided. Collection method: clinical testing. Allele origin: germline. Affected: yes. Study: VKGL Data-share Consensus. Not counted in ClinVar's aggregate classification.